The following is an entry in ClinVar:

NM_005876.5(SPEG):c.3912C>A (p.Asn1304Lys)

Gene: SPEG (striated muscle enriched protein kinase; plus strand). Cytogenetic location: 2q35.
Variant type: single nucleotide variant.
Coding change: c.3912C>A on transcript NM_005876.5 (MANE Select); coding-DNA position 3912, C replaced by A.
Protein change: p.Asn1304Lys; replaces asparagine 1304 with lysine.
Molecular consequence: missense variant.
Genome position (GRCh38, 1-based): chr2:219,472,303, C>A. VCF-style: chr2-219472303-C-A. GRCh37 (hg19) VCF-style: chr2-220337025-C-A.
Other names: short protein forms N1304K.
Identifiers: ClinVar variation 1418595 (VCV001418595.4), dbSNP rs754773582, ClinGen allele CA2126333.

ClinVar aggregate classification (germline): Uncertain significance (1 of 4 stars; one submission).

Allele frequency attached by ClinVar (database versions not stated): gnomAD exomes 0.00002; ExAC 0.00001; gnomAD 0.00001.
gnomAD v4.1: 6 of 1,613,284 alleles (0.00037%); highest among the groups gnomAD compares: Admixed American, 0.0083%; no homozygotes.

Submission:

Labcorp Genetics (formerly Invitae), Labcorp
Classification: Uncertain significance. Last evaluated: 2022-08-09. Review status: criteria provided, single submitter. Criteria: Invitae Variant Classification Sherloc (09022015). Collection method: clinical testing. Allele origin: germline.
Comment: In summary, the available evidence is currently insufficient to determine the role of this variant in disease. Therefore, it has been classified as a Variant of Uncertain Significance. Algorithms developed to predict the effect of missense changes on protein structure and function (SIFT, PolyPhen-2, Align-GVGD) all suggest that this variant is likely to be tolerated. ClinVar contains an entry for this variant (Variation ID: 1418595). This variant has not been reported in the literature in individuals affected with SPEG-related conditions. This variant is present in population databases (rs754773582, gnomAD 0.009%). This sequence change replaces asparagine, which is neutral and polar, with lysine, which is basic and polar, at codon 1304 of the SPEG protein (p.Asn1304Lys).